The following is an entry in ClinVar:

ClinVar aggregate classification (germline): Pathogenic (1 of 4 stars; one submission).

Conditions:
Intellectual developmental disorder, autosomal dominant 57. Also called: MENTAL RETARDATION, AUTOSOMAL DOMINANT 57; Intellectual disability, autosomal dominant 57. Identifiers: MedGen C4748003, MONDO:0054837, OMIM 618050.

Submission:

Genos
Classification: Pathogenic for Intellectual developmental disorder, autosomal dominant 57. Last evaluated: 2026-06-18. Review status: criteria provided, single submitter. Criteria: ACMG Guidelines, 2015. Collection method: clinical testing. Allele origin: unknown. Inheritance: Autosomal dominant inheritance. Affected: yes.
Comment: The NM_006852.6:c.144del variant is predicted to cause a frameshift and premature termination, p.(Glu49LysfsTer2). The premature termination codon occurs early in the coding sequence and is expected to result in nonsense-mediated mRNA decay. Haploinsufficiency caused by loss-of-function variants is an established disease mechanism for TLK2-related neurodevelopmental disorder. The variant is absent from gnomAD v4.1.1 and, to our knowledge, has not been published in the literature. Based on ACMG/AMP criteria as modified by ACGS 2024, the variant was classified as pathogenic (PVS1, PM2).

NM_006852.6(TLK2):c.144del (p.Glu49fs)

Gene: TLK2 (tousled like kinase 2; plus strand). Cytogenetic location: 17q23.2.
Variant type: Deletion.
Coding change: c.144del on transcript NM_006852.6 (MANE Select); coding-DNA position 144, one base deleted (A; older notation c.144delA).
Protein change: p.Glu49fs; shifts the reading frame from glutamic acid 49.
Molecular consequence: frameshift variant. On other transcripts: 5 prime UTR variant (2).
Genome position (GRCh38, 1-based): chr17:62,520,835, A deleted; the last of 3 consecutive A bases (chr17:62,520,833-62,520,835); deleting any one gives the same sequence. VCF-style (leftmost placement, unchanged base first): chr17-62520832-TA-T. GRCh37 (hg19) VCF-style: chr17-60598193-TA-T.
Other names: c.144del, p.Glu49fs (NM_001284333.3, NM_001284363.1, NM_001375270.1 and 6 more transcripts); c.-208del (NM_001330418.3, NM_001375273.1); c.282del, p.Glu95fs (NM_001375269.1); short protein forms E49fs, E95fs.
Identifiers: ClinVar variation 4857203 (VCV004857203.1).